The following is an entry in ClinVar:

NM_000548.5(TSC2):c.4543A>G (p.Asn1515Asp)

Gene: TSC2 (TSC complex subunit 2; plus strand). Cytogenetic location: 16p13.3.
Variant type: single nucleotide variant.
Coding change: c.4543A>G on transcript NM_000548.5 (MANE Select); coding-DNA position 4543, A replaced by G.
Protein change: p.Asn1515Asp; replaces asparagine 1515 with aspartic acid.
Molecular consequence: missense variant.
Genome position (GRCh38, 1-based): chr16:2,085,000, A>G. VCF-style: chr16-2085000-A-G. GRCh37 (hg19) VCF-style: chr16-2135001-A-G.
Other names: c.4342A>G, p.Asn1448Asp (NM_001077183.3); c.4474A>G, p.Asn1492Asp (NM_001114382.3); c.4234A>G, p.Asn1412Asp (NM_001318827.2); c.4198A>G, p.Asn1400Asp (NM_001318829.2); c.3811A>G, p.Asn1271Asp (NM_001318831.2); c.4375A>G, p.Asn1459Asp (NM_001318832.2); c.4345A>G, p.Asn1449Asp (NM_001363528.2); c.4411A>G, p.Asn1471Asp (NM_001370404.1); and 26 more; short protein forms N1023D, N1044D, N1248D, N1399D, N1400D, N1442D, N1443D, N1444D.
Identifiers: ClinVar variation 1741374 (VCV001741374.3), dbSNP rs766124907, ClinGen allele CA051560.

ClinVar aggregate classification (germline): Uncertain significance. Review status: criteria provided, multiple submitters, no conflicts (2 of 4 stars). 2 submissions from 2 submitters: Uncertain significance (2). Last evaluated 2025-11-24.

Conditions:
Tuberous sclerosis syndrome (TSC). Also called: Tuberous Sclerosis Complex; Tuberous sclerosis. Identifiers: Orphanet 805, MedGen C0041341, MONDO:0001734.
Hereditary cancer-predisposing syndrome. Also called: Neoplastic Syndromes, Hereditary; Tumor predisposition; Hereditary Cancer Syndrome; Hereditary neoplastic syndrome. Identifiers: Orphanet 140162, MedGen C0027672, MeSH D009386, MONDO:0015356.

Allele frequency attached by ClinVar (database versions not stated): ExAC 0.00001.

Submissions (2):

Color Diagnostics, LLC DBA Color Health
Classification: Uncertain significance for Tuberous sclerosis syndrome. Last evaluated: 2025-11-24. Review status: criteria provided, single submitter. Criteria: ACMG Guidelines, 2015. Collection method: clinical testing. Allele origin: germline.
Comment: This missense variant replaces asparagine with aspartic acid at codon 1515 of the TSC2 protein. Computational prediction is inconclusive regarding the impact of this variant on protein structure and function. To our knowledge, functional studies have not been reported for this variant. This variant has not been reported in individuals affected with TSC2-related disorders in the literature. This variant has not been identified in the general population by the Genome Aggregation Database (gnomAD). The available evidence is insufficient to determine the role of this variant in disease conclusively. Therefore, this variant is classified as a Variant of Uncertain Significance.

Ambry Genetics
Classification: Uncertain significance for Hereditary cancer-predisposing syndrome. Last evaluated: 2022-02-08. Review status: criteria provided, single submitter. Criteria: Ambry Variant Classification Scheme 2023. Collection method: clinical testing. Allele origin: germline.
Comment: The p.N1515D variant (also known as c.4543A>G), located in coding exon 34 of the TSC2 gene, results from an A to G substitution at nucleotide position 4543. The asparagine at codon 1515 is replaced by aspartic acid, an amino acid with highly similar properties. This amino acid position is conserved. In addition, the in silico prediction for this alteration is inconclusive. Since supporting evidence is limited at this time, the clinical significance of this alteration remains unclear.